The following is an entry in ClinVar:

NM_000548.5(TSC2):c.5260-16C>T

Gene: TSC2 (TSC complex subunit 2; plus strand). Cytogenetic location: 16p13.3.
Variant type: single nucleotide variant.
Coding change: c.5260-16C>T on transcript NM_000548.5 (MANE Select); 16 bases into the intron before coding-DNA position 5260, C replaced by T.
Molecular consequence: intron variant.
Genome position (GRCh38, 1-based): chr16:2,088,430, C>T. VCF-style: chr16-2088430-C-T. GRCh37 (hg19) VCF-style: chr16-2138431-C-T.
Other names: c.3718-16C>T (NM_001406693.1, NM_001406692.1, NM_001406694.1); c.5152-16C>T (NM_001406667.1); c.5149-16C>T (NM_001406668.1); c.4660-16C>T (NM_001406680.1); c.4591-16C>T (NM_001406683.1, NM_001406682.1); c.4459-16C>T (NM_001406687.1, NM_001406688.1); c.3847-16C>T (NM_001406689.1); c.3787-16C>T (NM_001406690.1); and 27 more.
Identifiers: ClinVar variation 2728810 (VCV002728810.4), dbSNP rs1358961035, ClinGen allele CA718905464.
Genomic context (GRCh38, chr16:2,088,430, plus strand): 5'-AGCTGTGGGGCGGGTGTGTGGGCAGAGCGGTTGCCACGCCTCCCAGACTTACTGCCCAAG[C>T]CGCCTCTGCCTTCAGATCTGCGAGGAAGCCGCCTACTCCAACCCCAGCCTACCTCTGGTG-3'

ClinVar aggregate classification (germline): Likely benign. Review status: criteria provided, multiple submitters, no conflicts (2 of 4 stars). 2 submissions from 2 submitters: Likely benign (2). Last evaluated 2025-06-06.

Conditions:
Tuberous sclerosis 2 (TSC2). Identifiers: Orphanet 805, MedGen C1860707, MONDO:0013199, OMIM 613254.

Submissions (2):

Myriad Genetics, Inc.
Classification: Likely benign for Tuberous sclerosis 2. Last evaluated: 2025-06-06. Review status: criteria provided, single submitter. Criteria: Myriad Autosomal Dominant, Autosomal Recessive and X-Linked Classification Criteria (2023). Collection method: clinical testing. Allele origin: unknown.
Comment: This variant is considered likely benign. This variant is intronic and is not expected to impact mRNA splicing.

Labcorp Genetics (formerly Invitae), Labcorp
Classification: Likely benign for Tuberous sclerosis 2. Last evaluated: 2024-10-23. Review status: criteria provided, single submitter. Criteria: Invitae Variant Classification Sherloc (09022015). Collection method: clinical testing. Allele origin: germline.